The following is an entry in ClinVar:

NM_000492.4(CFTR):c.980T>C (p.Leu327Pro)

Gene: CFTR (CF transmembrane conductance regulator; plus strand). Cytogenetic location: 7q31.2.
Variant type: single nucleotide variant.
Coding change: c.980T>C on transcript NM_000492.4 (MANE Select); coding-DNA position 980, T replaced by C.
Protein change: p.Leu327Pro; replaces leucine 327 with proline.
Molecular consequence: missense variant.
Genome position (GRCh38, 1-based): chr7:117,540,210, T>C. VCF-style: chr7-117540210-T-C. GRCh37 (hg19) VCF-style: chr7-117180264-T-C.
Other names: short protein forms L327P.
Identifiers: ClinVar variation 3231940 (VCV003231940.1), dbSNP rs141115171, ClinGen allele CA368978608.

ClinVar aggregate classification (germline): Uncertain significance (1 of 4 stars; one submission).

Conditions:
Cystic fibrosis (CF). Also called: MUCOVISCIDOSIS. Identifiers: Orphanet 586, MedGen C0010674, MONDO:0009061, OMIM 219700. Disease mechanism: loss of function.

gnomAD v4.1: 4 of 1,614,078 alleles (0.00025%); highest among the groups gnomAD compares: Non-Finnish European, 0.00034%; no homozygotes.

Submission:

Ambry Genetics
Classification: Uncertain significance for Cystic fibrosis. Last evaluated: 2024-02-26. Review status: criteria provided, single submitter. Criteria: Ambry Variant Classification Scheme 2023. Collection method: clinical testing. Allele origin: germline.
Comment: The p.L327P variant (also known as c.980T>C), located in coding exon 8 of the CFTR gene, results from a T to C substitution at nucleotide position 980. The leucine at codon 327 is replaced by proline, an amino acid with similar properties. This amino acid position is conserved. In addition, this alteration is predicted to be deleterious by in silico analysis. Based on the available evidence, the clinical significance of this alteration remains unclear.